The following is an entry in ClinVar:

NC_000016.10:g.(89773385_89775741)_(89775816_89778800)del

Gene: FANCA (FA complementation group A; minus strand). Cytogenetic location: 16q24.3.
Variant type: Deletion.
Identifiers: ClinVar variation 974127 (VCV000974127.1).

ClinVar aggregate classification (germline): Pathogenic (0 of 4 stars; one submission).

Conditions:
Fanconi anemia complementation group A (FANCA). Also called: Fanconi anemia, group A; FANCA-Related Fanconi Anemia. Identifiers: Orphanet 84, MedGen C3469521, MONDO:0009215, OMIM 227650.

Submission:

Leiden Open Variation Database
Classification: Pathogenic for Fanconi anemia complementation group A. Last evaluated: 2020-02-28. Review status: no assertion criteria provided. Collection method: curation. Allele origin: germline. Affected: yes.
Comment: Curator: Arleen D. Auerbach. Submitter to LOVD: Johan de Winter.

Literature cited by the submitters: PubMed 22778927.